The following is an entry in ClinVar:

ClinVar aggregate classification (germline): Likely benign (1 of 4 stars; one submission).

Allele frequency attached by ClinVar (database versions not stated): gnomAD 0.00031; TOPMed 0.00031; ESP Exome Variant Server 0.00048; ExAC 0.00077.
gnomAD v4.1: 556 of 1,588,780 alleles (0.035%); highest among the groups gnomAD compares: Middle Eastern, 0.13%; no homozygotes.

Submissions (2):

CeGaT Center for Human Genetics Tuebingen
Classification: Likely benign. Last evaluated: 2022-11-01. Review status: criteria provided, single submitter. Criteria: CeGaT Center For Human Genetics Tuebingen Variant Classification Criteria Version 2. Collection method: clinical testing. Allele origin: germline. Affected: yes. Observed: 1 variant allele.
Comment: TLE2: BP4, BP7

Dr. Peter K. Rogan Lab, Western University
No classification provided (evidence only). Condition: Sarcoma. Review status: no classification provided. Collection method: in vitro. Allele origin: not applicable. Functional consequence: retained intron. Not counted in ClinVar's aggregate classification.

NM_003260.5(TLE2):c.684C>T (p.Ser228=)

Gene: TLE2 (TLE family member 2, transcriptional corepressor; minus strand). Cytogenetic location: 19p13.3.
Variant type: single nucleotide variant.
Coding change: c.684C>T on transcript NM_003260.5 (MANE Select); coding-DNA position 684, C replaced by T.
Protein change: p.Ser228=; no amino-acid change (serine 228 retained).
Molecular consequence: synonymous variant.
Genome position (GRCh38, 1-based): chr19:3,014,609, G>A on the plus strand (C>T on the coding strand, the complement: TLE2 is on the minus strand). VCF-style: chr19-3014609-G-A. GRCh37 (hg19) VCF-style: chr19-3014607-G-A.
Other names: NC_000019.9:g.3014607G>A; c.726C>T, p.Ser242= (NM_001144761.2); c.318C>T, p.Ser106= (NM_001144762.2); c.687C>T, p.Ser229= (NM_001300846.2).
Identifiers: ClinVar variation 2648982 (VCV002648982.25), dbSNP rs199912249, ClinGen allele CA9073923.